The following is an entry in ClinVar:

NM_006258.4(PRKG1):c.853C>T (p.Arg285Cys)

Gene: PRKG1 (protein kinase cGMP-dependent 1; plus strand). Cytogenetic location: 10q21.1.
Variant type: single nucleotide variant.
Coding change: c.853C>T on transcript NM_006258.4 (MANE Select); coding-DNA position 853, C replaced by T.
Protein change: p.Arg285Cys; replaces arginine 285 with cysteine.
Molecular consequence: missense variant. On other transcripts: 5 prime UTR variant (1).
Genome position (GRCh38, 1-based): chr10:52,062,549, C>T. VCF-style: chr10-52062549-C-T. GRCh37 (hg19) VCF-style: chr10-53822309-C-T.
Other names: c.808C>T, p.Arg270Cys (NM_001098512.3); c.-357C>T (NM_001374781.1); c.853C>T, p.Arg285Cys (NM_001374782.1); short protein forms R285C, R270C.
Identifiers: ClinVar variation 3711885 (VCV003711885.2).

ClinVar aggregate classification (germline): Uncertain significance (1 of 4 stars; one submission).

Conditions:
Aortic aneurysm, familial thoracic 8 (AAT8). Identifiers: MedGen C3809513, MONDO:0014187, OMIM 615436.

gnomAD v4.1: 3 of 1,595,204 alleles (0.00019%); highest among the groups gnomAD compares: Non-Finnish European, 0.00017%; no homozygotes.

Submission:

Labcorp Genetics (formerly Invitae), Labcorp
Classification: Uncertain significance for Aortic aneurysm, familial thoracic 8. Last evaluated: 2025-08-17. Review status: criteria provided, single submitter. Criteria: Invitae Variant Classification Sherloc (09022015). Collection method: clinical testing. Allele origin: germline.
Comment: This sequence change replaces arginine, which is basic and polar, with cysteine, which is neutral and slightly polar, at codon 285 of the PRKG1 protein (p.Arg285Cys). This variant is not present in population databases (gnomAD no frequency). This variant has not been reported in the literature in individuals affected with PRKG1-related conditions. ClinVar contains an entry for this variant (Variation ID: 3711885). An algorithm developed to predict the effect of missense changes on protein structure and function (PolyPhen-2) suggests that this variant is likely to be disruptive. In summary, the available evidence is currently insufficient to determine the role of this variant in disease. Therefore, it has been classified as a Variant of Uncertain Significance.